The following is an entry in ClinVar:

NM_002246.3(KCNK3):c.504C>G (p.Ile168Met)

Gene: KCNK3 (potassium two pore domain channel subfamily K member 3; plus strand). Cytogenetic location: 2p23.3.
Variant type: single nucleotide variant.
Coding change: c.504C>G on transcript NM_002246.3 (MANE Select); coding-DNA position 504, C replaced by G.
Protein change: p.Ile168Met; replaces isoleucine 168 with methionine.
Molecular consequence: missense variant.
Genome position (GRCh38, 1-based): chr2:26,727,887, C>G. VCF-style: chr2-26727887-C-G. GRCh37 (hg19) VCF-style: chr2-26950755-C-G.
Other names: short protein forms I168M.
Identifiers: ClinVar variation 2863539 (VCV002863539.3), dbSNP rs1053068137, ClinGen allele CA44398161.

ClinVar aggregate classification (germline): Uncertain significance (1 of 4 stars; one submission).

Conditions:
Pulmonary hypertension, primary, 4. Identifiers: Orphanet 422, MedGen C3809198, MONDO:0014136, OMIM 615344.

Allele frequency attached by ClinVar (database versions not stated): gnomAD exomes below 0.00001; TOPMed below 0.00001; gnomAD 0.00001.
gnomAD v4.1: 5 of 1,614,104 alleles (0.00031%); highest among the groups gnomAD compares: Non-Finnish European, 0.00034%; no homozygotes.

Submission:

Labcorp Genetics (formerly Invitae), Labcorp
Classification: Uncertain significance for Pulmonary hypertension, primary, 4. Last evaluated: 2023-04-11. Review status: criteria provided, single submitter. Criteria: Invitae Variant Classification Sherloc (09022015). Collection method: clinical testing. Allele origin: germline.
Comment: In summary, the available evidence is currently insufficient to determine the role of this variant in disease. Therefore, it has been classified as a Variant of Uncertain Significance. Advanced modeling of protein sequence and biophysical properties (such as structural, functional, and spatial information, amino acid conservation, physicochemical variation, residue mobility, and thermodynamic stability) performed at Invitae indicates that this missense variant is not expected to disrupt KCNK3 protein function. This variant has not been reported in the literature in individuals affected with KCNK3-related conditions. This variant is present in population databases (no rsID available, gnomAD 0.004%). This sequence change replaces isoleucine, which is neutral and non-polar, with methionine, which is neutral and non-polar, at codon 168 of the KCNK3 protein (p.Ile168Met).